The following is an entry in ClinVar:

ClinVar aggregate classification (germline): Pathogenic (1 of 4 stars; one submission).

Allele frequency attached by ClinVar (database versions not stated): gnomAD exomes below 0.00001.

Submission:

Labcorp Genetics (formerly Invitae), Labcorp
Classification: Pathogenic. Last evaluated: 2022-02-08. Review status: criteria provided, single submitter. Criteria: Invitae Variant Classification Sherloc (09022015). Collection method: clinical testing. Allele origin: germline.
Comment: For these reasons, this variant has been classified as Pathogenic. This variant has not been reported in the literature in individuals affected with MAK-related conditions. This variant is present in population databases (no rsID available, gnomAD 0.0009%). This sequence change creates a premature translational stop signal (p.Gln478Argfs*4) in the MAK gene. It is expected to result in an absent or disrupted protein product. Loss-of-function variants in MAK are known to be pathogenic (PMID: 21148103, 21825139, 24938718, 29781741).

Literature cited by the submitters: PubMed 21148103; PubMed 21825139; PubMed 24938718; PubMed 29781741.

NM_001242957.3(MAK):c.1433del (p.Gln478fs)

Gene: MAK (male germ cell associated kinase; minus strand). Cytogenetic location: 6p24.2.
Variant type: Deletion.
Coding change: c.1433del on transcript NM_001242957.3 (MANE Select); coding-DNA position 1433, one base deleted (A; older notation c.1433delA).
Protein change: p.Gln478fs; shifts the reading frame from glutamine 478.
Molecular consequence: frameshift variant. On other transcripts: non-coding transcript variant (2).
Genome position (GRCh38, 1-based): chr6:10,784,456, T deleted on the plus strand (A on the coding strand, the reverse complement: MAK is on the minus strand). VCF-style (leftmost placement, unchanged base first): chr6-10784455-CT-C. GRCh37 (hg19) VCF-style: chr6-10784688-CT-C.
Other names: c.1433del, p.Gln478fs (NM_001242385.2, NM_005906.6); c.1331del, p.Gln444fs (NM_001377262.1); short protein forms Q478fs, Q444fs.
Identifiers: ClinVar variation 1400976 (VCV001400976.6), dbSNP rs1561946042, ClinGen allele CA565827432.